The following is an entry in ClinVar:

ClinVar aggregate classification (germline): Likely benign (1 of 4 stars; one submission).

Submission:

GeneDx
Classification: Likely benign. Last evaluated: 2019-10-02. Review status: criteria provided, single submitter. Criteria: GeneDx Variant Classification Process June 2021. Collection method: clinical testing. Allele origin: germline. Affected: yes.
Comment: See Variant Classification Assertion Criteria.

NM_145038.5(DRC1):c.889-32TA[9]

Gene: DRC1 (dynein regulatory complex subunit 1; plus strand). Cytogenetic location: 2p23.3.
Variant type: Microsatellite.
Coding change: c.889-32TA[9] on transcript NM_145038.5 (MANE Select); nine copies in a row of the 2-base unit TA starting at c.889-32; the reference has eight copies in a row; one copy, 2 bases duplicated.
Molecular consequence: intron variant.
Genome position (GRCh38, 1-based): chr2:26,440,360-26,440,361, TA duplicated; duplicating any 2 consecutive bases within chr2:26,440,346-26,440,361 gives the same sequence; the position shown is the placement nearest the transcript's 3' end. VCF-style (leftmost placement, unchanged base first): chr2-26440345-G-GTA. GRCh37 (hg19) VCF-style: chr2-26663213-G-GTA.
Identifiers: ClinVar variation 2430924 (VCV002430924.1), dbSNP rs59636742, ClinGen allele CA1562070.
Genomic context (GRCh38, chr2:26,440,345, plus strand): 5'-TAATACTAAGGATGCAGGTGTAGAGTTAGTGTGTTTGTGTGTGTGTGTGTGTGTGTGTGT[G>GTA]TATATATATATATATAGTTTTTTTAACTTTAGATTCTTGAGCAGCAGCTTCAGCAGAGGA-3'